The following is an entry in ClinVar:

NM_007294.4(BRCA1):c.302-10_302-5delinsAATTTA

Gene: BRCA1 (BRCA1 DNA repair associated; minus strand). Cytogenetic location: 17q21.31.
Variant type: Indel.
Coding change: c.302-10_302-5delinsAATTTA on transcript NM_007294.4 (MANE Select); 10 bases into the intron before coding-DNA position 302 through 5 bases into the intron before coding-DNA position 302, TATTTT replaced by AATTTA.
Molecular consequence: intron variant.
Genome position (GRCh38, 1-based): chr17:43,104,266-43,104,271, AAAATA replaced by TAAATT on the plus strand (TATTTT replaced by AATTTA on the coding strand, the reverse complement: BRCA1 is on the minus strand). VCF-style: chr17-43104266-AAAATA-TAAATT. GRCh37 (hg19) VCF-style: chr17-41256283-AAAATA-TAAATT.
Other names: c.161-10_161-5delinsAATTTA (NM_001408458.1, NM_001407931.1, NM_001407747.1 and 99 more transcripts); c.-218-9411_-218-9406delinsAATTTA (NM_001407967.1, NM_001407966.1); c.-80-10_-80-5delinsAATTTA (NM_001407959.1, NM_001407962.1, NM_001408512.1 and 4 more transcripts); c.92-10_92-5delinsAATTTA (NM_001407885.1, NM_001407886.1, NM_001407898.1 and 58 more transcripts); c.302-10_302-5delinsAATTTA (NM_001407686.1, NM_001408397.1, NM_001407632.1 and 164 more transcripts); c.170-10_170-5delinsAATTTA (NM_001408451.1); c.224-10_224-5delinsAATTTA (NM_001408475.1, NM_001407875.1, NM_001407659.1 and 21 more transcripts); c.293-10_293-5delinsAATTTA (NM_001408408.1, NM_001407647.1, NM_001407646.1).
Identifiers: ClinVar variation 3359763 (VCV003359763.1).
Genomic context (GRCh38, chr17:43,104,266, plus strand): 5'-TTTTAGATGTTCAGGAGAGTTATTTTCCTTTTTTGCAAAATTATAGCTGTTTGCATCTGT[AAAATA>TAAATT]CAAGGGAAAACATTATGTTTGCAGTTAGAGAAAAATGTATGAATTATAATCAAAGAAACC-3'

ClinVar aggregate classification (germline): Uncertain significance (1 of 4 stars; one submission).

Submission:

GeneDx
Classification: Uncertain significance. Last evaluated: 2023-06-09. Review status: criteria provided, single submitter. Criteria: GeneDx Variant Classification Process June 2021. Collection method: clinical testing. Allele origin: germline. Affected: yes.
Comment: Not observed at significant frequency in large population cohorts (gnomAD); Has not been previously published as pathogenic or benign to our knowledge; In silico analysis is inconclusive as to whether the variant alters gene splicing. In the absence of RNA/functional studies, the actual effect of this sequence change is unknown.; Also known as 421-10_421-5delinsAATTTA or IVS6-10_IVS6-5delinsAATTTA